The following is an entry in ClinVar:

ClinVar aggregate classification (germline): Uncertain significance (1 of 4 stars; one submission).

Submission:

Labcorp Genetics (formerly Invitae), Labcorp
Classification: Uncertain significance. Last evaluated: 2022-08-01. Review status: criteria provided, single submitter. Criteria: Invitae Variant Classification Sherloc (09022015). Collection method: clinical testing. Allele origin: germline.
Comment: This sequence change replaces alanine, which is neutral and non-polar, with valine, which is neutral and non-polar, at codon 4765 of the ADGRV1 protein (p.Ala4765Val). This variant is not present in population databases (gnomAD no frequency). This variant has not been reported in the literature in individuals affected with ADGRV1-related conditions. Algorithms developed to predict the effect of missense changes on protein structure and function are either unavailable or do not agree on the potential impact of this missense change (SIFT: "Tolerated"; PolyPhen-2: "Probably Damaging"; Align-GVGD: "Class C0"). In summary, the available evidence is currently insufficient to determine the role of this variant in disease. Therefore, it has been classified as a Variant of Uncertain Significance.

NM_032119.4(ADGRV1):c.14294C>T (p.Ala4765Val)

Gene: ADGRV1 (adhesion G protein-coupled receptor V1; plus strand). Cytogenetic location: 5q14.3.
Variant type: single nucleotide variant.
Coding change: c.14294C>T on transcript NM_032119.4 (MANE Select); coding-DNA position 14294, C replaced by T.
Protein change: p.Ala4765Val; replaces alanine 4765 with valine.
Molecular consequence: missense variant. On other transcripts: non-coding transcript variant (1).
Genome position (GRCh38, 1-based): chr5:90,791,123, C>T. VCF-style: chr5-90791123-C-T. GRCh37 (hg19) VCF-style: chr5-90086940-C-T.
Other names: short protein forms A4765V.
Identifiers: ClinVar variation 1714504 (VCV001714504.5), dbSNP rs2532009533, ClinGen allele CA360401357.